The following is an entry in ClinVar:

NM_015295.3(SMCHD1):c.1354GAAGATGAT[1] (p.452EDD[1])

Gene: SMCHD1 (structural maintenance of chromosomes flexible hinge domain containing 1; plus strand). Cytogenetic location: 18p11.32.
Variant type: Microsatellite.
Coding change: c.1354GAAGATGAT[1] on transcript NM_015295.3 (MANE Select); one copy of the 9-base unit GAAGATGAT starting at c.1354; the reference has two copies in a row; one copy, 9 bases deleted.
Protein change: p.452EDD[1].
Genome position (GRCh38, 1-based): chr18:2,700,559-2,700,567, GAAGATGAT deleted; deleting any 9 consecutive bases within chr18:2,700,547-2,700,567 gives the same sequence; the position shown is the placement nearest the transcript's 3' end. VCF-style (leftmost placement, unchanged base first): chr18-2700546-AGATGAAGAT-A. GRCh37 (hg19) VCF-style: chr18-2700544-AGATGAAGAT-A.
Identifiers: ClinVar variation 4770226 (VCV004770226.1).

ClinVar aggregate classification (germline): Uncertain significance (1 of 4 stars; one submission).

Conditions:
Facioscapulohumeral muscular dystrophy 2 (FSHD2). Also called: MUSCULAR DYSTROPHY, FACIOSCAPULOHUMERAL, TYPE 1B; FACIOSCAPULOHUMERAL MUSCULAR DYSTROPHY 2, DIGENIC; FSHD2, DIGENIC. Identifiers: Orphanet 269, MedGen C1834671, MONDO:0008031, OMIM 158901.

Submission:

Labcorp Genetics (formerly Invitae), Labcorp
Classification: Uncertain significance for Facioscapulohumeral muscular dystrophy 2. Last evaluated: 2025-06-19. Review status: criteria provided, single submitter. Criteria: Invitae Variant Classification Sherloc (09022015). Collection method: clinical testing. Allele origin: germline.
Comment: This variant, c.1363_1371del, results in the deletion of 3 amino acid(s) of the SMCHD1 protein (p.Glu455_Asp457del), but otherwise preserves the integrity of the reading frame. This variant is present in population databases (no rsID available, gnomAD 0.006%). This variant has not been reported in the literature in individuals affected with SMCHD1-related conditions. Experimental studies and prediction algorithms are not available or were not evaluated, and the functional significance of this variant is currently unknown. In summary, the available evidence is currently insufficient to determine the role of this variant in disease. Therefore, it has been classified as a Variant of Uncertain Significance.